The following is an entry in ClinVar:

NM_001163435.3(TBCK):c.2014G>T (p.Ala672Ser)

Gene: TBCK (TBC1 domain containing kinase; minus strand). Cytogenetic location: 4q24.
Variant type: single nucleotide variant.
Coding change: c.2014G>T on transcript NM_001163435.3 (MANE Select); coding-DNA position 2014, G replaced by T.
Protein change: p.Ala672Ser; replaces alanine 672 with serine.
Molecular consequence: missense variant.
Genome position (GRCh38, 1-based): chr4:106,193,654, C>A on the plus strand (G>T on the coding strand, the complement: TBCK is on the minus strand). VCF-style: chr4-106193654-C-A. GRCh37 (hg19) VCF-style: chr4-107114811-C-A.
Other names: c.1825G>T, p.Ala609Ser (NM_033115.5); c.2014G>T, p.Ala672Ser (NM_001163436.4); c.1897G>T, p.Ala633Ser (NM_001163437.3); c.1498G>T, p.Ala500Ser (NM_001290768.2); short protein forms A633S, A609S, A500S, A672S.
Identifiers: ClinVar variation 1498676 (VCV001498676.8), dbSNP rs752329234, ClinGen allele CA3034831.

ClinVar aggregate classification (germline): Uncertain significance (1 of 4 stars; one submission).

Allele frequency attached by ClinVar (database versions not stated): gnomAD exomes below 0.00001; ExAC 0.00001.
gnomAD v4.1: 1 of 1,613,456 alleles (0.000062%); highest among the groups gnomAD compares: East Asian, 0.0022%; no homozygotes.

Submission:

Labcorp Genetics (formerly Invitae), Labcorp
Classification: Uncertain significance. Last evaluated: 2021-04-17. Review status: criteria provided, single submitter. Criteria: Invitae Variant Classification Sherloc (09022015). Collection method: clinical testing. Allele origin: germline.
Comment: In summary, the available evidence is currently insufficient to determine the role of this variant in disease. Therefore, it has been classified as a Variant of Uncertain Significance. Algorithms developed to predict the effect of missense changes on protein structure and function output the following: SIFT: "Tolerated"; PolyPhen-2: "Benign"; Align-GVGD: "Class C0". The serine amino acid residue is found in multiple mammalian species, suggesting that this missense change does not adversely affect protein function. These predictions have not been confirmed by published functional studies and their clinical significance is uncertain. This variant has not been reported in the literature in individuals with TBCK-related conditions. This variant is present in population databases (rs752329234, ExAC 0.01%). This sequence change replaces alanine with serine at codon 672 of the TBCK protein (p.Ala672Ser). The alanine residue is highly conserved and there is a moderate physicochemical difference between alanine and serine.